The following is an entry in ClinVar:

NM_000891.3(KCNJ2):c.-3G>A

Gene: KCNJ2 (potassium inwardly rectifying channel subfamily J member 2; plus strand). Cytogenetic location: 17q24.3.
Variant type: single nucleotide variant.
Coding change: c.-3G>A on transcript NM_000891.3 (MANE Select); 3 bases upstream of the start codon, G replaced by A.
Molecular consequence: 5 prime UTR variant.
Genome position (GRCh38, 1-based): chr17:70,175,037, G>A. VCF-style: chr17-70175037-G-A. GRCh37 (hg19) VCF-style: chr17-68171178-G-A.
Identifiers: ClinVar variation 3232300 (VCV003232300.2), dbSNP rs2509920672, ClinGen allele CA2576374380.

ClinVar aggregate classification (germline): Uncertain significance. Review status: criteria provided, multiple submitters, no conflicts (2 of 4 stars). 2 submissions from 2 submitters: Uncertain significance (2). Last evaluated 2025-01-17.

Conditions:
Cardiovascular phenotype. Identifiers: MedGen CN230736.

Submissions (2):

GeneDx
Classification: Uncertain significance. Last evaluated: 2025-01-17. Review status: criteria provided, single submitter. Criteria: GeneDx Variant Classification Process June 2021. Collection method: clinical testing. Allele origin: germline. Affected: yes.
Comment: Not observed at significant frequency in large population cohorts (gnomAD); Located in a region that tolerates variation and lacks pathogenic variants; Has not been previously published as pathogenic or benign to our knowledge

Ambry Genetics
Classification: Uncertain significance for Cardiovascular phenotype. Last evaluated: 2023-11-28. Review status: criteria provided, single submitter. Criteria: Ambry Variant Classification Scheme 2023. Collection method: clinical testing. Allele origin: germline.
Comment: The c.-3G>A variant is located in the 5' untranslated region (5&rsquo; UTR) of the KCNJ2 gene. This variant results from a G to A substitution 3 nucleotides upstream from the first translated codon. This nucleotide position is highly conserved in available vertebrate species. Since supporting evidence is limited at this time, the clinical significance of this alteration remains unclear.